The following is an entry in ClinVar:

NM_006642.5(SDCCAG8):c.675+186_675+187delinsC

Gene: SDCCAG8 (SHH signaling and ciliogenesis regulator SDCCAG8; plus strand). Cytogenetic location: 1q43.
Variant type: Indel.
Coding change: c.675+186_675+187delinsC on transcript NM_006642.5 (MANE Select); bases 186 to 187 of the intron after coding-DNA position 675, TT replaced by C.
Molecular consequence: intron variant. On other transcripts: frameshift variant (1), 5 prime UTR variant (1).
Genome position (GRCh38, 1-based): chr1:243,293,405-243,293,406, TT replaced by C. VCF-style: chr1-243293405-TT-C. GRCh37 (hg19) VCF-style: chr1-243456707-TT-C.
Other names: c.682_683delinsC, p.Leu228fs (NM_001350248.2); c.-692_-691delinsC (NM_001350251.2); c.381+186_381+187delinsC (NM_001350249.2); c.-438+186_-438+187delinsC (NM_001350246.2); c.-326+186_-326+187delinsC (NM_001350247.2); short protein forms L228fs.
Identifiers: ClinVar variation 3353462 (VCV003353462.2).

ClinVar aggregate classification (germline): Uncertain significance (1 of 4 stars; one submission).

Conditions:
SDCCAG8-related disorder. Also called: SDCCAG8-related condition; SDCCAG8-Related Disorders.

Submission:

PreventionGenetics, part of Exact Sciences
Classification: Uncertain significance for SDCCAG8-related condition. Last evaluated: 2026-08-21. Review status: criteria provided, single submitter. Criteria: ACMG Guidelines, 2015. Collection method: clinical testing. Allele origin: germline.
Comment: The SDCCAG8 c.682_683delinsC variant is predicted to result in a frameshift and premature protein termination (p.Leu228Argfs*23). On the primary transcript, this variant is located intronically (NM_006642:c.675+187del). To our knowledge, this variant has not been reported in the literature or in a large population database, indicating this variant is rare. At this time, the clinical significance of this variant is uncertain due to the absence of conclusive functional and genetic evidence.